The following is an entry in ClinVar:

NM_001134407.3(GRIN2A):c.4274C>T (p.Ser1425Leu)

Gene: GRIN2A (glutamate ionotropic receptor NMDA type subunit 2A; minus strand). Cytogenetic location: 16p13.2.
Variant type: single nucleotide variant.
Coding change: c.4274C>T on transcript NM_001134407.3 (MANE Select); coding-DNA position 4274, C replaced by T.
Protein change: p.Ser1425Leu; replaces serine 1425 with leucine.
Molecular consequence: missense variant. On other transcripts: 3 prime UTR variant (1).
Genome position (GRCh38, 1-based): chr16:9,763,270, G>A on the plus strand (C>T on the coding strand, the complement: GRIN2A is on the minus strand). VCF-style: chr16-9763270-G-A. GRCh37 (hg19) VCF-style: chr16-9857127-G-A.
Other names: c.4274C>T, p.Ser1425Leu (NM_000833.5); c.*85C>T (NM_001134408.2); short protein forms S1425L.
Identifiers: ClinVar variation 2906772 (VCV002906772.4), dbSNP rs976259560, ClinGen allele CA277535861.

ClinVar aggregate classification (germline): Conflicting classifications of pathogenicity. Review status: criteria provided, conflicting classifications (1 of 4 stars). 2 submissions from 2 submitters: Uncertain significance (1); Likely benign (1). Last evaluated 2026-09-01.

Conditions:
Landau-Kleffner syndrome (FESD). Also called: EPILEPSY, FOCAL, WITH SPEECH DISORDER AND WITH OR WITHOUT MENTAL RETARDATION; APHASIA, ACQUIRED, WITH EPILEPSY. Identifiers: Orphanet 1945, Orphanet 725, Orphanet 98818, MedGen C0282512, MONDO:0009509, OMIM 245570.

Allele frequency attached by ClinVar (database versions not stated): gnomAD exomes below 0.00001; TOPMed 0.00001.
gnomAD v4.1: 8 of 1,614,090 alleles (0.0005%); highest among the groups gnomAD compares: South Asian, 0.0022%; no homozygotes.

Submissions (2):

CeGaT Center for Human Genetics Tuebingen
Classification: Uncertain significance. Last evaluated: 2026-09-01. Review status: criteria provided, single submitter. Criteria: CeGaT Center For Human Genetics Tuebingen Variant Classification Criteria Version 2. Collection method: clinical testing. Allele origin: germline. Affected: yes. Observed: 1 variant allele.
Comment: GRIN2A: PM2:Supporting, BP4

Labcorp Genetics (formerly Invitae), Labcorp
Classification: Likely benign for Landau-Kleffner syndrome. Last evaluated: 2024-04-10. Review status: criteria provided, single submitter. Criteria: Invitae Variant Classification Sherloc (09022015). Collection method: clinical testing. Allele origin: germline.